The following is an entry in ClinVar:

NM_001081.4(CUBN):c.8635C>A (p.Leu2879Ile)

Gene: CUBN (cubilin; minus strand). Cytogenetic location: 10p13.
Variant type: single nucleotide variant.
Coding change: c.8635C>A on transcript NM_001081.4 (MANE Select); coding-DNA position 8635, C replaced by A.
Protein change: p.Leu2879Ile; replaces leucine 2879 with isoleucine.
Molecular consequence: missense variant.
Genome position (GRCh38, 1-based): chr10:16,890,491, G>T on the plus strand (C>A on the coding strand, the complement: CUBN is on the minus strand). VCF-style: chr10-16890491-G-T. GRCh37 (hg19) VCF-style: chr10-16932490-G-T.
Other names: short protein forms L2879I.
Identifiers: ClinVar variation 299399 (VCV000299399.26), dbSNP rs1801238, ClinGen allele CA5422963.

ClinVar aggregate classification (germline): Benign. Review status: criteria provided, multiple submitters, no conflicts (2 of 4 stars). 6 submissions from 6 submitters: Benign (6). Last evaluated 2026-02-01.

Conditions:
Imerslund-Grasbeck syndrome type 1 (IGS1). Also called: Megaloblastic anemia 1, Finnish type; MEGALOBLASTIC ANEMIA, 1; Imerslund-Gräsbeck syndrome 1. Identifiers: MedGen C4016819, MONDO:0100156, OMIM 261100.
Imerslund-Grasbeck syndrome. Also called: Megaloblastic anemia due to inborn errors of metabolism; Imerslund-Gräsbeck syndrome; ENTEROCYTE COBALAMIN MALABSORPTION; ENTEROCYTE INTRINSIC FACTOR RECEPTOR, DEFECT OF; PERNICIOUS ANEMIA, JUVENILE, DUE TO SELECTIVE INTESTINAL MALABSORPTION OF VITAMIN B12, WITH PROTEINURIA. Identifiers: Orphanet 35858, MedGen C4551825, MONDO:0009853.

Allele frequency attached by ClinVar (database versions not stated): 1000 Genomes Project 0.01398; gnomAD 0.02485 and 0.02483; ESP Exome Variant Server 0.02653; 1000 Genomes Project 30x 0.01421; TOPMed 0.02292; gnomAD exomes 0.03260.
gnomAD v4.1: 51,249 of 1,614,108 alleles (3.2%); highest among the groups gnomAD compares: Non-Finnish European, 3.6%; 951 homozygotes.

Submissions (6):

Labcorp Genetics (formerly Invitae), Labcorp
Classification: Benign for Imerslund-Grasbeck syndrome. Last evaluated: 2026-02-01. Review status: criteria provided, single submitter. Criteria: Invitae Variant Classification Sherloc (09022015). Collection method: clinical testing. Allele origin: germline.

Mayo Clinic Laboratories, Mayo Clinic
Classification: Benign. Last evaluated: 2024-12-23. Review status: criteria provided, single submitter. Criteria: ACMG Guidelines, 2015. Collection method: clinical testing. Allele origin: germline. Observed: 10 variant alleles.
Comment: BA1, BP4_moderate

ARUP Laboratories, Molecular Genetics and Genomics, ARUP Laboratories
Classification: Benign. Last evaluated: 2023-10-06. Review status: criteria provided, single submitter. Criteria: ARUP Molecular Germline Variant Investigation Process 2024. Collection method: clinical testing. Allele origin: germline.

GeneDx
Classification: Benign. Last evaluated: 2020-03-27. Review status: criteria provided, single submitter. Criteria: GeneDx Variant Classification Process June 2021. Collection method: clinical testing. Allele origin: germline. Affected: yes.
Comment: This variant is associated with the following publications: (PMID: 30900415)

Illumina Laboratory Services, Illumina
Classification: Benign for Imerslund-Grasbeck syndrome type 1. Last evaluated: 2018-01-13. Review status: criteria provided, single submitter. Criteria: ICSL Variant Classification Criteria 13 December 2019. Collection method: clinical testing. Allele origin: germline.
Comment: This variant was observed in the ICSL laboratory as part of a predisposition screen in an ostensibly healthy population. It had not been previously curated by ICSL or reported in the Human Gene Mutation Database (HGMD: prior to June 1st, 2018), and was therefore a candidate for classification through an automated scoring system. Utilizing variant allele frequency, disease prevalence and penetrance estimates, and inheritance mode, an automated score was calculated to assess if this variant is too frequent to cause the disease. Based on the score and internal cut-off values, a variant classified as benign is not then subjected to further curation. The score for this variant resulted in a classification of benign for this disease.

Breakthrough Genomics
Classification: Benign. Review status: criteria provided, single submitter. Criteria: ACMG Guidelines, 2015. Collection method: not provided. Allele origin: germline. Inheritance: Autosomal recessive inheritance. Affected: yes.